The following is an entry in ClinVar:

NM_002230.4(JUP):c.1870G>C (p.Glu624Gln)

Gene: JUP (junction plakoglobin; minus strand). Cytogenetic location: 17q21.2.
Variant type: single nucleotide variant.
Coding change: c.1870G>C on transcript NM_002230.4 (MANE Select); coding-DNA position 1870, G replaced by C.
Protein change: p.Glu624Gln; replaces glutamic acid 624 with glutamine.
Molecular consequence: missense variant.
Genome position (GRCh38, 1-based): chr17:41,757,688, C>G on the plus strand (G>C on the coding strand, the complement: JUP is on the minus strand). VCF-style: chr17-41757688-C-G. GRCh37 (hg19) VCF-style: chr17-39913940-C-G.
Other names: c.1870G>C, p.Glu624Gln (NM_001352773.2, NM_001352774.2, NM_001352775.2 and 3 more transcripts); short protein forms E624Q.
Identifiers: ClinVar variation 1476515 (VCV001476515.6), dbSNP rs2143426682, ClinGen allele CA399492295.

ClinVar aggregate classification (germline): Uncertain significance (1 of 4 stars; one submission).

Conditions:
Naxos disease (NXD). Also called: KERATOSIS PALMOPLANTARIS WITH ARRHYTHMOGENIC CARDIOMYOPATHY; MAL DE NAXOS; CARDIOMYOPATHY, ARRHYTHMOGENIC RIGHT VENTRICULAR, WITH SKIN, HAIR, AND NAIL ABNORMALITIES; PALMOPLANTAR KERATODERMA WITH ARRHYTHMOGENIC RIGHT VENTRICULAR CARDIOMYOPATHY AND WOOLLY HAIR; WOOLLY HAIR, PALMOPLANTAR KERATODERMA, AND CARDIAC ABNORMALITIES. Identifiers: Orphanet 34217, MedGen C1832600, MONDO:0011017, OMIM 601214.
Arrhythmogenic right ventricular dysplasia 12. Also called: ARRHYTHMOGENIC RIGHT VENTRICULAR DYSPLASIA, FAMILIAL, 12. Identifiers: MedGen C1969081, MONDO:0012684, OMIM 611528.

Submission:

Labcorp Genetics (formerly Invitae), Labcorp
Classification: Uncertain significance for Arrhythmogenic right ventricular dysplasia 12; Naxos disease. Last evaluated: 2023-05-15. Review status: criteria provided, single submitter. Criteria: Invitae Variant Classification Sherloc (09022015). Collection method: clinical testing. Allele origin: germline.
Comment: In summary, the available evidence is currently insufficient to determine the role of this variant in disease. Therefore, it has been classified as a Variant of Uncertain Significance. An algorithm developed to predict the effect of missense changes on protein structure and function (PolyPhen-2) suggests that this variant is likely to be tolerated. ClinVar contains an entry for this variant (Variation ID: 1476515). This variant has not been reported in the literature in individuals affected with JUP-related conditions. This variant is not present in population databases (gnomAD no frequency). This sequence change replaces glutamic acid, which is acidic and polar, with glutamine, which is neutral and polar, at codon 624 of the JUP protein (p.Glu624Gln).